The following is an entry in ClinVar:

ClinVar aggregate classification (germline): Uncertain significance (1 of 4 stars; one submission).

Conditions:
Hereditary sensory and autonomic neuropathy type 6. Also called: HSAN VI; Neuropathy, hereditary sensory and autonomic, type VI. Identifiers: Orphanet 314381, MedGen C3539003, MONDO:0013839, OMIM 614653.
Epidermolysis bullosa simplex 3, localized or generalized intermediate, with BP230 deficiency (EBS3). Also called: Epidermolysis bullosa simplex due to BP230 deficiency; Epidermolysis bullosa simplex, autosomal recessive 2. Identifiers: Orphanet 412181, MedGen C3809470, MONDO:0014180, OMIM 615425.

gnomAD v4.1: 2 of 1,613,546 alleles (0.00012%); highest among the groups gnomAD compares: Non-Finnish European, 0.00017%; no homozygotes.

Submission:

Labcorp Genetics (formerly Invitae), Labcorp
Classification: Uncertain significance for Epidermolysis bullosa simplex 3, localized or generalized intermediate, with BP230 deficiency; Hereditary sensory and autonomic neuropathy type 6. Last evaluated: 2019-05-15. Review status: criteria provided, single submitter. Criteria: Invitae Variant Classification Sherloc (09022015). Collection method: clinical testing. Allele origin: germline.
Comment: In summary, the available evidence is currently insufficient to determine the role of this variant in disease. Therefore, it has been classified as a Variant of Uncertain Significance. Algorithms developed to predict the effect of missense changes on protein structure and function (SIFT, PolyPhen-2, Align-GVGD) all suggest that this variant is likely to be disruptive, but these predictions have not been confirmed by published functional studies and their clinical significance is uncertain. This variant has not been reported in the literature in individuals with DST-related conditions. This variant is not present in population databases (ExAC no frequency). This sequence change replaces threonine with arginine at codon 459 of the DST protein (p.Thr459Arg). The threonine residue is highly conserved and there is a moderate physicochemical difference between threonine and arginine.

NM_001374736.1(DST):c.2987C>G (p.Thr996Arg)

Gene: DST (dystonin; minus strand). Cytogenetic location: 6p12.1.
Variant type: single nucleotide variant.
Coding change: c.2987C>G on transcript NM_001374736.1 (MANE Select); coding-DNA position 2987, C replaced by G.
Protein change: p.Thr996Arg; replaces threonine 996 with arginine.
Molecular consequence: missense variant.
Genome position (GRCh38, 1-based): chr6:56,636,630, G>C on the plus strand (C>G on the coding strand, the complement: DST is on the minus strand). VCF-style: chr6-56636630-G-C. GRCh37 (hg19) VCF-style: chr6-56501428-G-C.
Other names: c.2888C>G, p.Thr963Arg (NM_001144769.5); c.2474C>G, p.Thr825Arg (NM_001144770.2); c.2987C>G, p.Thr996Arg (NM_001374722.1); c.2354C>G, p.Thr785Arg (NM_001374729.1, NM_001374730.1, NM_001386100.1 and 1 more transcripts); c.3014C>G, p.Thr1005Arg (NM_001374734.1); c.1376C>G, p.Thr459Arg (NM_001723.7, NM_015548.5); short protein forms T1005R, T785R, T825R, T963R, T459R, T996R.
Identifiers: ClinVar variation 942362 (VCV000942362.10), dbSNP rs780603543, ClinGen allele CA364577016.